The following is an entry in ClinVar:

NM_001436401.1(NOBOX):c.640A>G (p.Ser214Gly)

Gene: NOBOX (NOBOX oogenesis homeobox; minus strand). Cytogenetic location: 7q35.
Variant type: single nucleotide variant.
Coding change: c.640A>G on transcript NM_001436401.1 (MANE Select); coding-DNA position 640, A replaced by G.
Protein change: p.Ser214Gly; replaces serine 214 with glycine.
Molecular consequence: missense variant.
Genome position (GRCh38, 1-based): chr7:144,400,262, T>C on the plus strand (A>G on the coding strand, the complement: NOBOX is on the minus strand). VCF-style: chr7-144400262-T-C. GRCh37 (hg19) VCF-style: chr7-144097355-T-C.
Other names: NM_001080413.3:c.895A>G; c.88A>G, p.Ser30Gly (NM_001436402.1); short protein forms S214G, S30G.
Identifiers: ClinVar variation 1305107 (VCV001305107.4), dbSNP rs747497042, ClinGen allele CA4544727.

ClinVar aggregate classification (germline): Uncertain significance. Review status: criteria provided, multiple submitters, no conflicts (2 of 4 stars). 2 submissions from 2 submitters: Uncertain significance (2). Last evaluated 2023-07-23.

Allele frequency attached by ClinVar (database versions not stated): gnomAD exomes below 0.00001 and 0.00001; TOPMed below 0.00001; ExAC 0.00002; gnomAD 0.00002.
gnomAD v4.1: 8 of 1,613,962 alleles (0.0005%); highest among the groups gnomAD compares: East Asian, 0.0022%; no homozygotes.

Submissions (2):

GeneDx
Classification: Uncertain significance. Last evaluated: 2023-07-23. Review status: criteria provided, single submitter. Criteria: GeneDx Variant Classification Process June 2021. Collection method: clinical testing. Allele origin: germline. Affected: yes.
Comment: Has not been previously published as pathogenic or benign to our knowledge; In silico analysis supports that this missense variant does not alter protein structure/function

Breakthrough Genomics
Classification: Uncertain significance. Review status: criteria provided, single submitter. Criteria: ACMG Guidelines, 2015. Collection method: not provided. Allele origin: germline. Inheritance: Autosomal recessive inheritance. Affected: yes.